The following is an entry in ClinVar:

NM_024675.4(PALB2):c.109-10TC[3]

Gene: PALB2 (partner and localizer of BRCA2; minus strand). Cytogenetic location: 16p12.2.
Variant type: Microsatellite.
Coding change: c.109-10TC[3] on transcript NM_024675.4 (MANE Select); three copies in a row of the 2-base unit TC starting at c.109-10; the reference has two copies in a row; one copy, 2 bases duplicated.
Molecular consequence: intron variant.
Genome position (GRCh38, 1-based): chr16:23,637,959-23,637,960, GA duplicated on the plus strand (TC on the coding strand, the reverse complement: PALB2 is on the minus strand); duplicating any 2 consecutive bases within chr16:23,637,959-23,637,962 gives the same sequence; the position shown is the placement nearest the transcript's 3' end. VCF-style (leftmost placement, unchanged base first): chr16-23637958-G-GGA. GRCh37 (hg19) VCF-style: chr16-23649279-G-GGA.
Other names: c.109-8_109-7dupTC (NM_024675.3).
Identifiers: ClinVar variation 530246 (VCV000530246.12), dbSNP rs1293962285, ClinGen allele CA621661868.
Genomic context (GRCh38, chr16:23,637,958, plus strand): 5'-GTTCTTCTACTGTTTTCTTAATAGAATGCTTAATCTTTTCAGCTCTTTGGGCACGCTAGA[G>GGA]GAGACAAAAACAGCCCCAGAAATACGTTTTCTTTAAAGTTTTATAGAGTCAAGAACTGTT-3'

ClinVar aggregate classification (germline): Likely benign. Review status: criteria provided, multiple submitters, no conflicts (2 of 4 stars). 2 submissions from 2 submitters: Likely benign (2). Last evaluated 2025-10-30.

Conditions:
Familial cancer of breast. Also called: BREAST CANCER, FAMILIAL; Hereditary breast cancer; hereditary breast carcinoma. Identifiers: Orphanet 227535, MedGen C0346153, MONDO:0016419, OMIM 114480. Disease mechanism: loss of function.

Submissions (2):

Labcorp Genetics (formerly Invitae), Labcorp
Classification: Likely benign for Familial cancer of breast. Last evaluated: 2025-10-30. Review status: criteria provided, single submitter. Criteria: Invitae Variant Classification Sherloc (09022015). Collection method: clinical testing. Allele origin: germline.

Myriad Genetics, Inc.
Classification: Likely benign for Familial cancer of breast. Last evaluated: 2025-01-09. Review status: criteria provided, single submitter. Criteria: Myriad Autosomal Dominant, Autosomal Recessive and X-Linked Classification Criteria (2023). Collection method: clinical testing. Allele origin: unknown.
Comment: This variant is considered likely benign. This variant is intronic and is not expected to impact mRNA splicing.